The following is an entry in ClinVar:

ClinVar aggregate classification (germline): Pathogenic (1 of 4 stars; one submission).

Submission:

Quest Diagnostics Nichols Institute San Juan Capistrano
Classification: Pathogenic. Last evaluated: 2022-05-01. Review status: criteria provided, single submitter. Criteria: ACMG/ClinGen CNV Guidelines, 2019. Collection method: clinical testing. Allele origin: unknown.
Comment: This deletion of Xp21.1 includes at least exons 46-49 of the DMD gene (OMIM 300377, NM_004006.3). Whole gene and intragenic deletions, as well as intragenic duplications and sequence-level mutations, of DMD gene have been identified in a spectrum of muscle diseases known as the dystrophinopathies; Duchenne Muscular Dystrophy (DMD; OMIM 310200), Becker Muscular Dystrophy (BMD; OMIM 300376), and dilated cardiomyopathy 3B (CMD3B; OMIM 302045), all of which involve progressive deterioration of muscle tissue and resultant weakness. The phenotype is best correlated with the degree of dystrophin protein expression. Reference: Darras et al. Dystrophinopathies. 2000 Sep 5 [Updated 2022 Jan 20]. GeneReviews.

GRCh37/hg19 Xp21.1(chrX:31844448-31952468)x0

Gene: DMD (dystrophin; minus strand). Cytogenetic location: Xp21.1.
Variant type: copy number loss.
Change: copy number 0 of chrX:31,844,448-31,952,468 (108.0 kb, GRCh37 coordinates, 1-based), cytogenetic band Xp21.1.
Identifiers: ClinVar variation 1808654 (VCV001808654.1).